The following is an entry in ClinVar:

NM_005993.5(TBCD):c.937G>T (p.Val313Leu)

Gene: TBCD (tubulin folding cofactor D). Cytogenetic location: 17q25.3.
Variant type: single nucleotide variant.
Coding change: c.937G>T on transcript NM_005993.5 (MANE Select); coding-DNA position 937, G replaced by T.
Protein change: p.Val313Leu; replaces valine 313 with leucine.
Molecular consequence: missense variant.
Genome position (GRCh38, 1-based): chr17:82,800,983, G>T. VCF-style: chr17-82800983-G-T. GRCh37 (hg19) VCF-style: chr17-80758859-G-T.
Other names: short protein forms V313L.
Identifiers: ClinVar variation 1369742 (VCV001369742.6), dbSNP rs2144673838, ClinGen allele CA401633756.

ClinVar aggregate classification (germline): Uncertain significance (1 of 4 stars; one submission).

Submission:

Labcorp Genetics (formerly Invitae), Labcorp
Classification: Uncertain significance. Last evaluated: 2023-11-27. Review status: criteria provided, single submitter. Criteria: Invitae Variant Classification Sherloc (09022015). Collection method: clinical testing. Allele origin: germline.
Comment: This sequence change replaces valine, which is neutral and non-polar, with leucine, which is neutral and non-polar, at codon 313 of the TBCD protein (p.Val313Leu). This variant is not present in population databases (gnomAD no frequency). This variant has not been reported in the literature in individuals affected with TBCD-related conditions. ClinVar contains an entry for this variant (Variation ID: 1369742). Advanced modeling of protein sequence and biophysical properties (such as structural, functional, and spatial information, amino acid conservation, physicochemical variation, residue mobility, and thermodynamic stability) performed at Invitae indicates that this missense variant is not expected to disrupt TBCD protein function with a negative predictive value of 80%. In summary, the available evidence is currently insufficient to determine the role of this variant in disease. Therefore, it has been classified as a Variant of Uncertain Significance.